The following is an entry in ClinVar:

ClinVar aggregate classification (germline): Uncertain significance (1 of 4 stars; one submission).

gnomAD v4.1: 1 of 1,613,970 alleles (0.000062%); highest among the groups gnomAD compares: South Asian, 0.0011%; no homozygotes.

Submission:

Labcorp Genetics (formerly Invitae), Labcorp
Classification: Uncertain significance. Last evaluated: 2025-11-25. Review status: criteria provided, single submitter. Criteria: Invitae Variant Classification Sherloc (09022015). Collection method: clinical testing. Allele origin: germline.
Comment: This sequence change replaces arginine, which is basic and polar, with glycine, which is neutral and non-polar, at codon 142 of the GSN protein (p.Arg142Gly). This variant is not present in population databases (gnomAD no frequency). This variant has not been reported in the literature in individuals affected with GSN-related conditions. An algorithm developed to predict the effect of missense changes on protein structure and function (PolyPhen-2) suggests that this variant is likely to be tolerated. In summary, the available evidence is currently insufficient to determine the role of this variant in disease. Therefore, it has been classified as a Variant of Uncertain Significance.

NM_198252.3(GSN):c.271C>G (p.Arg91Gly)

Gene: GSN (gelsolin; plus strand). Cytogenetic location: 9q33.2.
Variant type: single nucleotide variant.
Coding change: c.271C>G on transcript NM_198252.3 (MANE Select); coding-DNA position 271, C replaced by G.
Protein change: p.Arg91Gly; replaces arginine 91 with glycine.
Molecular consequence: missense variant. On other transcripts: 5 prime UTR variant (1).
Genome position (GRCh38, 1-based): chr9:121,302,985, C>G. VCF-style: chr9-121302985-C-G. GRCh37 (hg19) VCF-style: chr9-124065263-C-G.
Other names: c.271C>G, p.Arg91Gly (NM_001353057.2, NM_001353058.2, NM_001353059.2 and 10 more transcripts); c.304C>G, p.Arg102Gly (NM_001353063.2, NM_001353064.2, NM_001353065.2 and 13 more transcripts); c.-384C>G (NM_001353078.2); c.424C>G, p.Arg142Gly (NM_000177.5); c.379C>G, p.Arg127Gly (NM_001127663.2); c.322C>G, p.Arg108Gly (NM_001258029.2); c.295C>G, p.Arg99Gly (NM_001258030.2); c.343C>G, p.Arg115Gly (NM_001353076.2); short protein forms R115G, R142G, R108G, R127G, R91G, R99G, R102G.
Identifiers: ClinVar variation 4776044 (VCV004776044.1).